The following is an entry in ClinVar:

ClinVar aggregate classification (germline): Uncertain significance (1 of 4 stars; one submission).

Conditions:
Hereditary cancer-predisposing syndrome. Also called: Neoplastic Syndromes, Hereditary; Hereditary Cancer Syndrome; Hereditary neoplastic syndrome; Tumor predisposition. Identifiers: Orphanet 140162, MedGen C0027672, MeSH D009386, MONDO:0015356.

Submission:

Ambry Genetics
Classification: Uncertain significance for Hereditary cancer-predisposing syndrome. Last evaluated: 2023-04-18. Review status: criteria provided, single submitter. Criteria: Ambry Variant Classification Scheme 2023. Collection method: clinical testing. Allele origin: germline.
Comment: The p.R75S variant (also known as c.225G>T), located in coding exon 3 of the TSC1 gene, results from a G to T substitution at nucleotide position 225. The arginine at codon 75 is replaced by serine, an amino acid with dissimilar properties. This amino acid position is conserved. In addition, the in silico prediction for this alteration is inconclusive. Since supporting evidence is limited at this time, the clinical significance of this alteration remains unclear.

NM_000368.5(TSC1):c.225G>T (p.Arg75Ser)

Gene: TSC1 (TSC complex subunit 1; minus strand). Cytogenetic location: 9q34.13.
Variant type: single nucleotide variant.
Coding change: c.225G>T on transcript NM_000368.5 (MANE Select); coding-DNA position 225, G replaced by T.
Protein change: p.Arg75Ser; replaces arginine 75 with serine.
Molecular consequence: missense variant. On other transcripts: 5 prime UTR variant (18), non-coding transcript variant (5), intron variant (5).
Genome position (GRCh38, 1-based): chr9:132,925,725, C>A on the plus strand (G>T on the coding strand, the complement: TSC1 is on the minus strand). VCF-style: chr9-132925725-C-A. GRCh37 (hg19) VCF-style: chr9-135801112-C-A.
Other names: c.225G>T, p.Arg75Ser (NM_001162426.2, NM_001406592.1, NM_001406593.1 and 16 more transcripts); c.-139G>T (NM_001362177.2, NM_001406617.1, NM_001406618.1 and 5 more transcripts); c.-231G>T (NM_001406614.1, NM_001406616.1, NM_001406624.1); c.-264G>T (NM_001406615.1, NM_001406623.1); c.-653G>T (NM_001406626.1, NM_001406627.1, NM_001406628.1); c.-795G>T (NM_001406629.1); c.-869G>T (NM_001406630.1); c.210+1476G>T (NM_001406613.1, NM_001406612.1, NM_001406610.1 and 2 more transcripts); short protein forms R75S.
Identifiers: ClinVar variation 2562883 (VCV002562883.2), dbSNP rs2132238583, ClinGen allele CA375374830.